The following is an entry in ClinVar:

NM_004064.5(CDKN1B):c.454A>T (p.Arg152Trp)

Gene: CDKN1B (cyclin dependent kinase inhibitor 1B; plus strand). Cytogenetic location: 12p13.1.
Variant type: single nucleotide variant.
Coding change: c.454A>T on transcript NM_004064.5 (MANE Select); coding-DNA position 454, A replaced by T.
Protein change: p.Arg152Trp; replaces arginine 152 with tryptophan.
Molecular consequence: missense variant.
Genome position (GRCh38, 1-based): chr12:12,718,293, A>T. VCF-style: chr12-12718293-A-T. GRCh37 (hg19) VCF-style: chr12-12871227-A-T.
Other names: short protein forms R152W.
Identifiers: ClinVar variation 1741407 (VCV001741407.2), dbSNP rs964300786, ClinGen allele CA383970870.

ClinVar aggregate classification (germline): Uncertain significance (1 of 4 stars; one submission).

Conditions:
Hereditary cancer-predisposing syndrome. Also called: Hereditary Cancer Syndrome; Hereditary neoplastic syndrome; Neoplastic Syndromes, Hereditary; Tumor predisposition. Identifiers: Orphanet 140162, MedGen C0027672, MeSH D009386, MONDO:0015356.

Submission:

Ambry Genetics
Classification: Uncertain significance for Hereditary cancer-predisposing syndrome. Last evaluated: 2022-03-18. Review status: criteria provided, single submitter. Criteria: Ambry Variant Classification Scheme 2023. Collection method: clinical testing. Allele origin: germline.
Comment: The p.R152W variant (also known as c.454A>T), located in coding exon 1 of the CDKN1B gene, results from an A to T substitution at nucleotide position 454. The arginine at codon 152 is replaced by tryptophan, an amino acid with dissimilar properties. This amino acid position is conserved. In addition, the in silico prediction for this alteration is inconclusive. Since supporting evidence is limited at this time, the clinical significance of this alteration remains unclear.